The following is an entry in ClinVar:

NM_001127222.2(CACNA1A):c.6590_6601dup (p.Gly2200_Arg2201insGlnGluArgGly)

Gene: CACNA1A (calcium voltage-gated channel subunit alpha1 A; minus strand). Cytogenetic location: 19p13.13.
Variant type: Duplication.
Coding change: c.6590_6601dup on transcript NM_001127222.2 (MANE Select); coding-DNA positions 6590 to 6601, 12 bases duplicated (AGGAGCGGGGCC).
Protein change: p.Gly2200_Arg2201insGlnGluArgGly.
Molecular consequence: inframe insertion.
Genome position (GRCh38, 1-based): chr19:13,208,935-13,208,946, GGCCCCGCTCCT duplicated on the plus strand (AGGAGCGGGGCC on the coding strand, the reverse complement: CACNA1A is on the minus strand); duplicating any 12 consecutive bases within chr19:13,208,935-13,208,948 gives the same sequence; the c. name uses the placement nearest the transcript's 3' end. VCF-style (leftmost placement, unchanged base first): chr19-13208934-C-CGGCCCCGCTCCT. GRCh37 (hg19) VCF-style: chr19-13319748-C-CGGCCCCGCTCCT.
Other names: c.6608_6619dup, p.Gly2206_Arg2207insGlnGluArgGly (NM_000068.4, NM_023035.3); c.6593_6604dup, p.Gly2201_Arg2202insGlnGluArgGly (NM_001127221.2); c.6599_6610dup, p.Gly2203_Arg2204insGlnGluArgGly (NM_001174080.2).
Identifiers: ClinVar variation 2941983 (VCV002941983.3), dbSNP rs2512516745, ClinGen allele CA2740091916.

ClinVar aggregate classification (germline): Uncertain significance (1 of 4 stars; one submission).

Conditions:
Episodic ataxia type 2 (EA2). Also called: CEREBELLAR ATAXIA, PAROXYSMAL, ACETAZOLAMIDE-RESPONSIVE; CEREBELLOPATHY, HEREDITARY PAROXYSMAL; EPISODIC ATAXIA, NYSTAGMUS-ASSOCIATED; ACETAZOLAMIDE-RESPONSIVE HEREDITARY PAROXYSMAL CEREBELLAR ATAXIA; ATAXIA, EPISODIC, WITH NYSTAGMUS; ATAXIA, FAMILIAL PAROXYSMAL. Identifiers: Orphanet 97, MedGen C1720416, MONDO:0007163, OMIM 108500.
Developmental and epileptic encephalopathy, 42 (DEE42A). Also called: Epileptic encephalopathy, early infantile, 42; DEVELOPMENTAL AND EPILEPTIC ENCEPHALOPATHY 42A; EPILEPTIC ENCEPHALOPATHY, EARLY INFANTILE, 42A. Identifiers: MedGen C4310716, MONDO:0014917, OMIM 617106.

Submission:

Labcorp Genetics (formerly Invitae), Labcorp
Classification: Uncertain significance for Developmental and epileptic encephalopathy, 42; Episodic ataxia type 2. Last evaluated: 2022-12-02. Review status: criteria provided, single submitter. Criteria: Invitae Variant Classification Sherloc (09022015). Collection method: clinical testing. Allele origin: germline.
Comment: In summary, the available evidence is currently insufficient to determine the role of this variant in disease. Therefore, it has been classified as a Variant of Uncertain Significance. This variant has not been reported in the literature in individuals affected with CACNA1A-related conditions. This variant is not present in population databases (gnomAD no frequency). This variant, c.6593_6604dup, results in the insertion of 4 amino acid(s) of the CACNA1A protein (p.Gln2198_Gly2201dup), but otherwise preserves the integrity of the reading frame.